The following is an entry in ClinVar:

ClinVar aggregate classification (germline): Uncertain significance (1 of 4 stars; one submission).

Allele frequency attached by ClinVar (database versions not stated): TOPMed 0.00001.

Submission:

Ambry Genetics
Classification: Uncertain significance. Last evaluated: 2024-11-23. Review status: criteria provided, single submitter. Criteria: Ambry Variant Classification Scheme 2023. Collection method: clinical testing. Allele origin: germline.
Comment: The p.P671L variant (also known as c.2012C>T), located in coding exon 11 of the ATRIP gene, results from a C to T substitution at nucleotide position 2012. The proline at codon 671 is replaced by leucine, an amino acid with similar properties. This amino acid position is conserved. In addition, this alteration is predicted to be tolerated by in silico analysis. Based on the available evidence, the clinical significance of this variant remains unclear.

NM_130384.3(ATRIP):c.2012C>T (p.Pro671Leu)

Genes: ATRIP (ATR interacting protein; plus strand), ATRIP-TREX1 (ATRIP-TREX1 readthrough; plus strand). Cytogenetic location: 3p21.31.
Variant type: single nucleotide variant.
Coding change: c.2012C>T on transcript NM_130384.3 (MANE Select); coding-DNA position 2012, C replaced by T.
Protein change: p.Pro671Leu; replaces proline 671 with leucine.
Molecular consequence: missense variant. On other transcripts: non-coding transcript variant (1), intron variant (1).
Genome position (GRCh38, 1-based): chr3:48,464,619, C>T. VCF-style: chr3-48464619-C-T. GRCh37 (hg19) VCF-style: chr3-48506018-C-T.
Other names: c.1631C>T, p.Pro544Leu (NM_001271022.2); c.1733C>T, p.Pro578Leu (NM_001271023.2); c.1975-212C>T (NM_032166.4); short protein forms P544L, P578L, P671L.
Identifiers: ClinVar variation 2380719 (VCV002380719.3), dbSNP rs986630610, ClinGen allele CA73930234.
Genomic context (GRCh38, chr3:48,464,619, plus strand): 5'-GAACCAATCTGTTCTTGTTCTAGGTGGTGTGGCTCCTGGCTAAGCTTGGTGTGCAGAGCC[C>T]CTTGCCCCCAGTCACTGGCTCCAACTGCCAGTGTAATGTGGAGGTGAGTGGGTAGGGGCC-3'
Protein context (NP_569055.1, residues 661-681): WLLAKLGVQS[Pro671Leu]LPPVTGSNCQ